The following is an entry in ClinVar:

ClinVar aggregate classification (germline): Uncertain significance (1 of 4 stars; one submission).

Submission:

Labcorp Genetics (formerly Invitae), Labcorp
Classification: Uncertain significance. Last evaluated: 2023-12-09. Review status: criteria provided, single submitter. Criteria: Invitae Variant Classification Sherloc (09022015). Collection method: clinical testing. Allele origin: germline.
Comment: This sequence change replaces glycine, which is neutral and non-polar, with valine, which is neutral and non-polar, at codon 100 of the SFTPC protein (p.Gly100Val). This variant is not present in population databases (gnomAD no frequency). This missense change has been observed in individual(s) with chronic lung disease (PMID: 11893657). An algorithm developed to predict the effect of missense changes on protein structure and function (PolyPhen-2) suggests that this variant is likely to be disruptive. In summary, the available evidence is currently insufficient to determine the role of this variant in disease. Therefore, it has been classified as a Variant of Uncertain Significance.

Literature cited by the submitters: PubMed 11893657.

NM_001317778.2(SFTPC):c.299G>T (p.Gly100Val)

Gene: SFTPC (surfactant protein C; plus strand). Cytogenetic location: 8p21.3.
Variant type: single nucleotide variant.
Coding change: c.299G>T on transcript NM_001317778.2 (MANE Select); coding-DNA position 299, G replaced by T.
Protein change: p.Gly100Val; replaces glycine 100 with valine.
Molecular consequence: missense variant.
Genome position (GRCh38, 1-based): chr8:22,163,177, G>T. VCF-style: chr8-22163177-G-T. GRCh37 (hg19) VCF-style: chr8-22020690-G-T.
Other names: c.299G>T, p.Gly100Val (NM_001172357.2, NM_001172410.2, NM_001317780.2 and 8 more transcripts); c.140G>T, p.Gly47Val (NM_001317779.2, NM_001385660.1); short protein forms G100V, G47V.
Identifiers: ClinVar variation 2735135 (VCV002735135.3), dbSNP rs2538943694, ClinGen allele CA370537470.
Genomic context (GRCh38, chr8:22,163,177, plus strand): 5'-AACGCCTGGCCCTGAGTGAGCACCTGGTTACCACTGCCACCTTCTCCATCGGCTCCACTG[G>T]CCTCGTGGTGTATGACTACCAGCAGGTGGGTATGCCCAGACCTCCTGACCCTGGGACCAA-3'
Protein context (NP_001304707.1, residues 90-110): TTATFSIGST[Gly100Val]LVVYDYQQLL